The following is an entry in ClinVar:

ClinVar aggregate classification (germline): Benign/Likely benign. Review status: criteria provided, multiple submitters, no conflicts (2 of 4 stars). 16 submissions from 16 submitters: Benign (6); Likely benign (4). 6 of the submissions do not count toward it. Last evaluated 2026-08-01.

Conditions:
LDB3-related disorder. Also called: LDB3-related condition.
Cardiovascular phenotype. Identifiers: MedGen CN230736.
Myofibrillar myopathy 4. Also called: Zaspopathy (type). Identifiers: Orphanet 98912, MedGen C4721886, MONDO:0012277, OMIM 609452.

Allele frequency attached by ClinVar (database versions not stated): 1000 Genomes Project 30x 0.00156; gnomAD exomes 0.00248 and 0.00473; ExAC 0.00226; TOPMed 0.00262; gnomAD 0.00277 and 0.00288; ESP Exome Variant Server 0.00315; 1000 Genomes Project 0.00140.
gnomAD v4.1: 7,235 of 1,613,954 alleles (0.45%); highest among the groups gnomAD compares: Non-Finnish European, 0.58%; 27 homozygotes.

Submissions (16):

CeGaT Center for Human Genetics Tuebingen
Classification: Likely benign. Last evaluated: 2026-08-01. Review status: criteria provided, single submitter. Criteria: CeGaT Center For Human Genetics Tuebingen Variant Classification Criteria Version 2. Collection method: clinical testing. Allele origin: germline. Affected: yes. Observed: 13 variant alleles.
Comment: LDB3: BP4, BP7, BS2

Labcorp Genetics (formerly Invitae), Labcorp
Classification: Benign for Myofibrillar myopathy 4. Last evaluated: 2026-02-04. Review status: criteria provided, single submitter. Criteria: Invitae Variant Classification Sherloc (09022015). Collection method: clinical testing. Allele origin: germline.

Blueprint Genetics
Classification: Likely benign. Last evaluated: 2024-11-27. Review status: criteria provided, single submitter. Criteria: ACMG Guidelines, 2015. Collection method: clinical testing. Allele origin: germline.

ARUP Laboratories, Molecular Genetics and Genomics, ARUP Laboratories
Classification: Benign. Last evaluated: 2022-03-09. Review status: criteria provided, single submitter. Criteria: ARUP Molecular Germline Variant Investigation Process 2021. Collection method: clinical testing. Allele origin: germline.

Women's Health and Genetics/Laboratory Corporation of America, LabCorp
Classification: Benign. Last evaluated: 2016-01-15. Review status: criteria provided, single submitter. Criteria: LabCorp Variant Classification Summary - May 2015. Collection method: clinical testing. Allele origin: germline.

Eurofins Ntd Llc (ga)
Classification: Benign. Last evaluated: 2015-10-29. Review status: criteria provided, single submitter. Criteria: EGL Classification Definitions 2015. Collection method: clinical testing. Allele origin: germline. Observed: 1 variant allele, 1 heterozygote.

Ambry Genetics
Classification: Likely benign for Cardiovascular phenotype. Last evaluated: 2015-05-04. Review status: criteria provided, single submitter. Criteria: Ambry Variant Classification Scheme 2023. Collection method: clinical testing. Allele origin: germline.

GeneDx
Classification: Benign. Last evaluated: 2015-03-03. Review status: criteria provided, single submitter. Criteria: GeneDx Variant Classification Process June 2021. Collection method: clinical testing. Allele origin: germline. Affected: yes.

Laboratory for Molecular Medicine, Mass General Brigham Personalized Medicine
Classification: Benign. Last evaluated: 2010-07-23. Review status: criteria provided, single submitter. Criteria: LMM Criteria. Collection method: clinical testing. Allele origin: germline. Observed: 24 variant alleles.
Comment: Cys672Cys in exon 15 of the LDB3 gene: This variant does not not alter an amino acid residue and is not located near a splice junction. Although some base chang es that do not result in amino acid changes can be associated with disease, this variant occurs in ~1% of the general population; rs45578640) and is therefore m ost likely benign.

Breakthrough Genomics
Classification: Likely benign. Review status: criteria provided, single submitter. Criteria: ACMG Guidelines, 2015. Collection method: not provided. Allele origin: germline. Inheritance: Autosomal dominant inheritance. Affected: yes.

PreventionGenetics, part of Exact Sciences
Classification: Benign for LDB3-related condition. Last evaluated: 2019-08-08. Review status: no assertion criteria provided. Collection method: clinical testing. Allele origin: germline. Not counted in ClinVar's aggregate classification.
Comment: This variant is classified as benign based on ACMG/AMP sequence variant interpretation guidelines (Richards et al. 2015 PMID: 25741868, with internal and published modifications).

Clinical Genetics DNA and cytogenetics Diagnostics Lab, Erasmus MC, Erasmus Medical Center
Classification: Benign. Review status: no assertion criteria provided. Collection method: clinical testing. Allele origin: germline. Affected: yes. Study: VKGL Data-share Consensus. Not counted in ClinVar's aggregate classification.

Clinical Genetics, Academic Medical Center
Classification: Benign. Review status: no assertion criteria provided. Collection method: clinical testing. Allele origin: germline. Affected: yes. Study: VKGL Data-share Consensus. Not counted in ClinVar's aggregate classification.

Diagnostic Laboratory, Department of Genetics, University Medical Center Groningen
Classification: Likely benign. Review status: no assertion criteria provided. Collection method: clinical testing. Allele origin: germline. Affected: yes. Study: VKGL Data-share Consensus. Not counted in ClinVar's aggregate classification.

Genome Diagnostics Laboratory, University Medical Center Utrecht
Classification: Likely benign. Review status: no assertion criteria provided. Collection method: clinical testing. Allele origin: germline. Affected: yes. Study: VKGL Data-share Consensus. Not counted in ClinVar's aggregate classification.

Joint Genome Diagnostic Labs from Nijmegen and Maastricht, Radboudumc and MUMC+
Classification: Benign. Review status: no assertion criteria provided. Collection method: clinical testing. Allele origin: germline. Affected: yes. Study: VKGL Data-share Consensus. Not counted in ClinVar's aggregate classification.

Literature cited by the submitters: PubMed 20474083 (cited by Women's Health and Genetics/Laboratory Corporation of America, LabCorp).

NM_007078.3(LDB3):c.2016C>T (p.Cys672=)

Gene: LDB3 (LIM domain binding 3; plus strand). Cytogenetic location: 10q23.2.
Variant type: single nucleotide variant.
Coding change: c.2016C>T on transcript NM_007078.3 (MANE Select); coding-DNA position 2016, C replaced by T.
Protein change: p.Cys672=; no amino-acid change (cysteine 672 retained).
Molecular consequence: synonymous variant. On other transcripts: genic downstream transcript variant (1).
Genome position (GRCh38, 1-based): chr10:86,726,174, C>T. VCF-style: chr10-86726174-C-T. GRCh37 (hg19) VCF-style: chr10-88485931-C-T.
Other names: c.*26800C>T (NM_001080116.1); c.1686C>T, p.Cys562= (NM_001080114.2); c.2031C>T, p.Cys677= (NM_001171610.2); c.1827C>T, p.Cys609= (NM_001368064.1, NM_001368065.1); c.1875C>T, p.Cys625= (NM_001368066.1).
Identifiers: ClinVar variation 45538 (VCV000045538.76), dbSNP rs45578640, ClinGen allele CA136574.
Genomic context (GRCh38, chr10:86,726,174, plus strand): 5'-CTTCACTCTGCTTTTCATTTCAGACTACATCAATCTGTTCAGCACCAAGTGCCATGGCTG[C>T]GATTTCCCCGTGGAGGCTGGCGACAAGTTTATCGAAGCCCTGGGCCACACTTGGCACGAC-3'
Protein context (NP_009009.1, residues 662-682): INLFSTKCHG[Cys672=]DFPVEAGDKF